The following is an entry in ClinVar:

NM_016222.4(DDX41):c.11C>T (p.Ser4Leu)

Gene: DDX41 (DEAD-box helicase 41; minus strand). Cytogenetic location: 5q35.3.
Variant type: single nucleotide variant.
Coding change: c.11C>T on transcript NM_016222.4 (MANE Select); coding-DNA position 11, C replaced by T.
Protein change: p.Ser4Leu; replaces serine 4 with leucine.
Molecular consequence: missense variant. On other transcripts: 5 prime UTR variant (2).
Genome position (GRCh38, 1-based): chr5:177,516,935, G>A on the plus strand (C>T on the coding strand, the complement: DDX41 is on the minus strand). VCF-style: chr5-177516935-G-A. GRCh37 (hg19) VCF-style: chr5-176943936-G-A.
Other names: c.-645C>T (NM_001321732.2); c.-437C>T (NM_001321830.2); short protein forms S4L.
Identifiers: ClinVar variation 3371113 (VCV003371113.2).

ClinVar aggregate classification (germline): Uncertain significance. Review status: criteria provided, multiple submitters, no conflicts (2 of 4 stars). 2 submissions from 2 submitters: Uncertain significance (2). Last evaluated 2025-05-17.

Conditions:
Inborn genetic diseases. Identifiers: MedGen C0950123, MeSH D030342.

Submissions (2):

Ambry Genetics
Classification: Uncertain significance for Inborn genetic diseases. Last evaluated: 2025-05-17. Review status: criteria provided, single submitter. Criteria: Ambry Variant Classification Scheme 2023. Collection method: clinical testing. Allele origin: germline.
Comment: The p.S4L variant (also known as c.11C>T), located in coding exon 1 of the DDX41 gene, results from a C to T substitution at nucleotide position 11. The serine at codon 4 is replaced by leucine, an amino acid with dissimilar properties. This amino acid position is conserved. In addition, this alteration is predicted to be tolerated by in silico analysis. Based on the available evidence, the clinical significance of this variant remains unclear.

GeneDx
Classification: Uncertain significance. Last evaluated: 2024-03-18. Review status: criteria provided, single submitter. Criteria: GeneDx Variant Classification Process June 2021. Collection method: clinical testing. Allele origin: germline. Affected: yes.
Comment: Not observed at significant frequency in large population cohorts (gnomAD); In silico analysis supports that this missense variant does not alter protein structure/function; Has not been previously published as pathogenic or benign to our knowledge